The following is an entry in ClinVar:

ClinVar aggregate classification (germline): Uncertain significance (1 of 4 stars; one submission).

Conditions:
Hereditary cancer-predisposing syndrome. Also called: Neoplastic Syndromes, Hereditary; Tumor predisposition; Hereditary Cancer Syndrome; Hereditary neoplastic syndrome. Identifiers: Orphanet 140162, MedGen C0027672, MeSH D009386, MONDO:0015356.

Submission:

Ambry Genetics
Classification: Uncertain significance for Hereditary cancer-predisposing syndrome. Last evaluated: 2025-10-16. Review status: criteria provided, single submitter. Criteria: Ambry Variant Classification Scheme 2023. Collection method: clinical testing. Allele origin: germline.
Comment: The p.R1139L variant (also known as c.3416G>T), located in coding exon 17 of the BLM gene, results from a G to T substitution at nucleotide position 3416. The arginine at codon 1139 is replaced by leucine, an amino acid with dissimilar properties. This amino acid position is conserved. In addition, the in silico prediction for this alteration is inconclusive. Based on the available evidence, the clinical significance of this variant remains unclear.

NM_000057.4(BLM):c.3416G>T (p.Arg1139Leu)

Gene: BLM (BLM RecQ like helicase; plus strand). Cytogenetic location: 15q26.1.
Variant type: single nucleotide variant.
Coding change: c.3416G>T on transcript NM_000057.4 (MANE Select); coding-DNA position 3416, G replaced by T.
Protein change: p.Arg1139Leu; replaces arginine 1139 with leucine.
Molecular consequence: missense variant. On other transcripts: intron variant (1).
Genome position (GRCh38, 1-based): chr15:90,803,578, G>T. VCF-style: chr15-90803578-G-T. GRCh37 (hg19) VCF-style: chr15-91346808-G-T.
Other names: c.3416G>T, p.Arg1139Leu (NM_001287246.2); c.2291G>T, p.Arg764Leu (NM_001287248.2); c.3358+5241G>T (NM_001287247.2); short protein forms R764L, R1139L.
Identifiers: ClinVar variation 4622019 (VCV004622019.1).